The following is an entry in ClinVar:

ClinVar aggregate classification (germline): Likely benign (1 of 4 stars; one submission).

Allele frequency attached by ClinVar (database versions not stated): gnomAD exomes 0.00028; 1000 Genomes Project 30x 0.00203; 1000 Genomes Project 0.00220; gnomAD 0.00261 and 0.00277; TOPMed 0.00306.
gnomAD v4.1: 624 of 891,654 alleles (0.07%); highest among the groups gnomAD compares: African/African-American, 0.86%; 2 homozygotes.

Submission:

GeneDx
Classification: Likely benign. Last evaluated: 2018-06-14. Review status: criteria provided, single submitter. Criteria: GeneDx Variant Classification (06012015). Collection method: clinical testing. Allele origin: germline. Affected: yes.
Comment: This variant is considered likely benign or benign based on one or more of the following criteria: it is a conservative change, it occurs at a poorly conserved position in the protein, it is predicted to be benign by multiple in silico algorithms, and/or has population frequency not consistent with disease.

NM_000257.4(MYH7):c.2044+122T>C

Gene: MYH7 (myosin heavy chain 7; minus strand). Cytogenetic location: 14q11.2.
Variant type: single nucleotide variant.
Coding change: c.2044+122T>C on transcript NM_000257.4 (MANE Select); 122 bases into the intron after coding-DNA position 2044, T replaced by C.
Molecular consequence: intron variant.
Genome position (GRCh38, 1-based): chr14:23,426,655, A>G on the plus strand (T>C on the coding strand, the complement: MYH7 is on the minus strand). VCF-style: chr14-23426655-A-G. GRCh37 (hg19) VCF-style: chr14-23895864-A-G.
Identifiers: ClinVar variation 675779 (VCV000675779.1), dbSNP rs148878295, ClinGen allele CA14046660.